The following is an entry in ClinVar:

NM_024120.5(NDUFAF5):c.479+5G>A

Gene: NDUFAF5 (NADH:ubiquinone oxidoreductase complex assembly factor 5; plus strand). Cytogenetic location: 20p12.1.
Variant type: single nucleotide variant.
Coding change: c.479+5G>A on transcript NM_024120.5 (MANE Select); 5 bases into the intron after coding-DNA position 479, G replaced by A.
Molecular consequence: intron variant.
Genome position (GRCh38, 1-based): chr20:13,794,946, G>A. VCF-style: chr20-13794946-G-A. GRCh37 (hg19) VCF-style: chr20-13775592-G-A.
Other names: c.-83+5G>A (NM_001352407.2, NM_001352406.2); c.395+1719G>A (NM_001039375.3); c.8+1719G>A (NM_001352403.2); c.479+5G>A (NM_001352408.2).
Identifiers: ClinVar variation 991365 (VCV000991365.30), dbSNP rs367847398, ClinGen allele CA9767766.

ClinVar aggregate classification (germline): Uncertain significance. Review status: criteria provided, multiple submitters, no conflicts (2 of 4 stars). 6 submissions from 6 submitters: Uncertain significance (5). 1 of the submissions does not count toward it. Last evaluated 2024-09-03.

Conditions:
Mitochondrial complex I deficiency, nuclear type 16. Also called: Mitochondrial complex 1 deficiency, nuclear type 16. Identifiers: MedGen C4748785, MONDO:0032621, OMIM 618238.
Leigh syndrome (NULS). Also called: LEIGH SYNDROME, NUCLEAR; Subacute necrotizing encephalopathy; Necrotizing encephalopathy infantile subacute of Leigh; Leigh's necrotizing encephalopathy; Leigh's disease; Leigh Syndrome (mtDNA deletion). Identifiers: Orphanet 506, MedGen C2931891, MONDO:0009723, OMIM 256000.

Allele frequency attached by ClinVar (database versions not stated): gnomAD exomes 0.00005 and 0.00007; gnomAD 0.00007 and 0.00009; ExAC 0.00008; TOPMed 0.00009; ESP Exome Variant Server 0.00015.
gnomAD v4.1: 116 of 1,573,330 alleles (0.0074%); highest among the groups gnomAD compares: Non-Finnish European, 0.0094%; no homozygotes.

Submissions (7):

Women's Health and Genetics/Laboratory Corporation of America, LabCorp
Classification: Uncertain significance. Last evaluated: 2024-09-03. Review status: criteria provided, single submitter. Criteria: LabCorp Variant Classification Summary - May 2015. Collection method: clinical testing. Allele origin: germline.

CeGaT Center for Human Genetics Tuebingen
Classification: Uncertain significance. Last evaluated: 2023-09-01. Review status: criteria provided, single submitter. Criteria: CeGaT Center For Human Genetics Tuebingen Variant Classification Criteria Version 2. Collection method: clinical testing. Allele origin: germline. Affected: yes. Observed: 1 variant allele.
Comment: NDUFAF5: PP3

Blueprint Genetics
Classification: Uncertain significance. Last evaluated: 2023-08-24. Review status: criteria provided, single submitter. Criteria: ACMG Guidelines, 2015. Collection method: clinical testing. Allele origin: germline.

Labcorp Genetics (formerly Invitae), Labcorp
Classification: Uncertain significance. Last evaluated: 2022-06-04. Review status: criteria provided, single submitter. Criteria: Invitae Variant Classification Sherloc (09022015). Collection method: clinical testing. Allele origin: germline.
Comment: This sequence change falls in intron 5 of the NDUFAF5 gene. It does not directly change the encoded amino acid sequence of the NDUFAF5 protein. It affects a nucleotide within the consensus splice site. This variant is present in population databases (rs367847398, gnomAD 0.01%). This variant has not been reported in the literature in individuals affected with NDUFAF5-related conditions. ClinVar contains an entry for this variant (Variation ID: 991365). Variants that disrupt the consensus splice site are a relatively common cause of aberrant splicing (PMID: 17576681, 9536098). Algorithms developed to predict the effect of sequence changes on RNA splicing suggest that this variant may disrupt the consensus splice site. In summary, the available evidence is currently insufficient to determine the role of this variant in disease. Therefore, it has been classified as a Variant of Uncertain Significance.

Fulgent Genetics
Classification: Uncertain significance for Mitochondrial complex I deficiency, nuclear type 16. Last evaluated: 2021-12-16. Review status: criteria provided, single submitter. Criteria: ACMG Guidelines, 2015. Collection method: clinical testing. Allele origin: unknown.

Natera, Inc.
Classification: Uncertain significance for Leigh syndrome. Last evaluated: 2020-07-27. Review status: no assertion criteria provided. Collection method: clinical testing. Allele origin: germline. Not counted in ClinVar's aggregate classification.

Dr. Peter K. Rogan Lab, Western University
No classification provided (evidence only). Condition: Familial cancer of breast. Review status: no classification provided. Collection method: in vitro. Allele origin: not applicable. Functional consequence: skipped exon. Not counted in ClinVar's aggregate classification.

Literature cited by the submitters: PubMed 17576681 (cited by Labcorp Genetics (formerly Invitae), Labcorp); PubMed 9536098 (cited by Labcorp Genetics (formerly Invitae), Labcorp).